The following is an entry in ClinVar:

ClinVar aggregate classification (germline): Uncertain significance (1 of 4 stars; one submission).

Conditions:
Chédiak-Higashi syndrome (CHS). Also called: Chediak-Higashi Syndrome. Identifiers: Orphanet 167, MedGen C0007965, MONDO:0008963, OMIM 214500.

Submission:

Labcorp Genetics (formerly Invitae), Labcorp
Classification: Uncertain significance for Chédiak-Higashi syndrome. Last evaluated: 2023-10-02. Review status: criteria provided, single submitter. Criteria: Invitae Variant Classification Sherloc (09022015). Collection method: clinical testing. Allele origin: germline.
Comment: This sequence change replaces aspartic acid, which is acidic and polar, with glutamic acid, which is acidic and polar, at codon 838 of the LYST protein (p.Asp838Glu). This variant is not present in population databases (gnomAD no frequency). This variant has not been reported in the literature in individuals affected with LYST-related conditions. ClinVar contains an entry for this variant (Variation ID: 1967603). Advanced modeling of protein sequence and biophysical properties (such as structural, functional, and spatial information, amino acid conservation, physicochemical variation, residue mobility, and thermodynamic stability) performed at Invitae indicates that this missense variant is not expected to disrupt LYST protein function. In summary, the available evidence is currently insufficient to determine the role of this variant in disease. Therefore, it has been classified as a Variant of Uncertain Significance.

NM_000081.4(LYST):c.2514T>A (p.Asp838Glu)

Gene: LYST (lysosomal trafficking regulator; minus strand). Cytogenetic location: 1q42.3.
Variant type: single nucleotide variant.
Coding change: c.2514T>A on transcript NM_000081.4 (MANE Select); coding-DNA position 2514, T replaced by A.
Protein change: p.Asp838Glu; replaces aspartic acid 838 with glutamic acid.
Molecular consequence: missense variant.
Genome position (GRCh38, 1-based): chr1:235,806,622, A>T on the plus strand (T>A on the coding strand, the complement: LYST is on the minus strand). VCF-style: chr1-235806622-A-T. GRCh37 (hg19) VCF-style: chr1-235969922-A-T.
Other names: c.2514T>A, p.Asp838Glu (NM_001301365.1); short protein forms D838E.
Identifiers: ClinVar variation 1967603 (VCV001967603.4), dbSNP rs931559449, ClinGen allele CA39616380.
Genomic context (GRCh38, chr1:235,806,622, plus strand): 5'-AAAAGAAGTACCCACATGTACAGAGGACAACTCCTTCTGTTCAATGTCTATCCCATCAAT[A>T]TCTGGAACTGAGGCATCTTTCTGTTGCTCCCCTAGGCTGATTATCAGAGTTTCAAATGCT-3'
Protein context (NP_000072.2, residues 828-848): GEQQKDASVP[Asp838Glu]IDGIDIEQKE